The following is an entry in ClinVar:

ClinVar aggregate classification (germline): Uncertain significance (1 of 4 stars; one submission).

Allele frequency attached by ClinVar (database versions not stated): TOPMed below 0.00001; gnomAD 0.00001; ExAC 0.00002; gnomAD exomes 0.00002.

Submission:

Labcorp Genetics (formerly Invitae), Labcorp
Classification: Uncertain significance. Last evaluated: 2024-06-19. Review status: criteria provided, single submitter. Criteria: Invitae Variant Classification Sherloc (09022015). Collection method: clinical testing. Allele origin: germline.
Comment: This sequence change replaces threonine, which is neutral and polar, with alanine, which is neutral and non-polar, at codon 219 of the TMED7 protein (p.Thr219Ala). This variant is present in population databases (rs750371021, gnomAD 0.01%). This variant has not been reported in the literature in individuals affected with TMED7-related conditions. ClinVar contains an entry for this variant (Variation ID: 1483638). An algorithm developed to predict the effect of missense changes on protein structure and function (PolyPhen-2) suggests that this variant is likely to be tolerated. In summary, the available evidence is currently insufficient to determine the role of this variant in disease. Therefore, it has been classified as a Variant of Uncertain Significance.

NM_181836.6(TMED7):c.655A>G (p.Thr219Ala)

Genes: TMED7 (transmembrane p24 trafficking protein 7; minus strand), TMED7-TICAM2 (TMED7-TICAM2 readthrough; minus strand), TICAM2-AS1 (TICAM2 antisense RNA 1; plus strand). Cytogenetic location: 5q22.3.
Variant type: single nucleotide variant.
Coding change: c.655A>G on transcript NM_181836.6 (MANE Select); coding-DNA position 655, A replaced by G.
Protein change: p.Thr219Ala; replaces threonine 219 with alanine.
Molecular consequence: missense variant. On other transcripts: intron variant (2).
Genome position (GRCh38, 1-based): chr5:115,616,229, T>C on the plus strand (A>G on the coding strand, the complement: TMED7 is on the minus strand). VCF-style: chr5-115616229-T-C. GRCh37 (hg19) VCF-style: chr5-114951926-T-C.
Other names: c.566+89A>G (NM_001164468.4, NM_001164469.4); short protein forms T219A.
Identifiers: ClinVar variation 1483638 (VCV001483638.6), dbSNP rs750371021, ClinGen allele CA3375125.